The following is an entry in ClinVar:

NM_003200.5(TCF3):c.635C>T (p.Ala212Val)

Gene: TCF3 (transcription factor 3; minus strand). Cytogenetic location: 19p13.3.
Variant type: single nucleotide variant.
Coding change: c.635C>T on transcript NM_003200.5 (MANE Select); coding-DNA position 635, C replaced by T.
Protein change: p.Ala212Val; replaces alanine 212 with valine.
Molecular consequence: missense variant.
Genome position (GRCh38, 1-based): chr19:1,622,330, G>A on the plus strand (C>T on the coding strand, the complement: TCF3 is on the minus strand). VCF-style: chr19-1622330-G-A. GRCh37 (hg19) VCF-style: chr19-1622329-G-A.
Other names: c.635C>T, p.Ala212Val (NM_001136139.4, NM_001351778.2, NM_001351779.2); short protein forms A212V.
Identifiers: ClinVar variation 1434706 (VCV001434706.8), dbSNP rs374229587, ClinGen allele CA9050289.

ClinVar aggregate classification (germline): Conflicting classifications of pathogenicity. Review status: criteria provided, conflicting classifications (1 of 4 stars). 3 submissions from 3 submitters: Uncertain significance (1); Likely benign (2). Last evaluated 2025-10-15.

Conditions:
Agammaglobulinemia 8b, autosomal recessive. Also called: AGAMMAGLOBULINEMIA, AUTOSOMAL RECESSIVE, DUE TO TCF3 DEFECT. Identifiers: MedGen C5676958, MONDO:0859234, OMIM 619824.
Agammaglobulinemia 8, autosomal dominant (AGM8A). Also called: AGAMMAGLOBULINEMIA, AUTOSOMAL DOMINANT, DUE TO TCF3 DEFECT; AGAMMAGLOBULINEMIA 8A, AUTOSOMAL DOMINANT. Identifiers: MedGen C4310786, MONDO:0014840, OMIM 616941.

Allele frequency attached by ClinVar (database versions not stated): 1000 Genomes Project 30x 0.00016; ESP Exome Variant Server 0.00016; gnomAD exomes 0.00018 and 0.00031; TOPMed 0.00022; gnomAD 0.00026 and 0.00027; ExAC 0.00054.
gnomAD v4.1: 458 of 1,535,644 alleles (0.03%); highest among the groups gnomAD compares: Non-Finnish European, 0.038%; no homozygotes.

Submissions (3):

Labcorp Genetics (formerly Invitae), Labcorp
Classification: Uncertain significance. Last evaluated: 2025-10-15. Review status: criteria provided, single submitter. Criteria: Invitae Variant Classification Sherloc (09022015). Collection method: clinical testing. Allele origin: germline.
Comment: This sequence change replaces alanine, which is neutral and non-polar, with valine, which is neutral and non-polar, at codon 212 of the TCF3 protein (p.Ala212Val). This variant is present in population databases (rs374229587, gnomAD 0.03%). This variant has not been reported in the literature in individuals affected with TCF3-related conditions. ClinVar contains an entry for this variant (Variation ID: 1434706). Invitae Evidence Modeling of protein sequence and biophysical properties (such as structural, functional, and spatial information, amino acid conservation, physicochemical variation, residue mobility, and thermodynamic stability) indicates that this missense variant is not expected to disrupt TCF3 protein function with a negative predictive value of 80%. In summary, the available evidence is currently insufficient to determine the role of this variant in disease. Therefore, it has been classified as a Variant of Uncertain Significance.

Blueprint Genetics
Classification: Likely benign. Last evaluated: 2024-10-23. Review status: criteria provided, single submitter. Criteria: ACMG Guidelines, 2015. Collection method: clinical testing. Allele origin: germline.

Department of Pathology and Laboratory Medicine, Sinai Health System
Classification: Likely benign for Agammaglobulinemia 8, autosomal dominant; Agammaglobulinemia 8b, autosomal recessive. Last evaluated: 2021-10-18. Review status: criteria provided, single submitter. Criteria: ACMG Guidelines, 2015. Collection method: research. Allele origin: germline.